The following is an entry in ClinVar:

ClinVar aggregate classification (germline): Uncertain significance (1 of 4 stars; one submission).

Submission:

Labcorp Genetics (formerly Invitae), Labcorp
Classification: Uncertain significance. Last evaluated: 2021-12-23. Review status: criteria provided, single submitter. Criteria: Invitae Variant Classification Sherloc (09022015). Collection method: clinical testing. Allele origin: germline.
Comment: In summary, the available evidence is currently insufficient to determine the role of this variant in disease. Therefore, it has been classified as a Variant of Uncertain Significance. Algorithms developed to predict the effect of missense changes on protein structure and function (SIFT, PolyPhen-2, Align-GVGD) all suggest that this variant is likely to be tolerated. This variant has not been reported in the literature in individuals affected with LAMC3-related conditions. This variant is not present in population databases (gnomAD no frequency). This sequence change replaces threonine, which is neutral and polar, with alanine, which is neutral and non-polar, at codon 116 of the LAMC3 protein (p.Thr116Ala).

NM_006059.4(LAMC3):c.346A>G (p.Thr116Ala)

Gene: LAMC3 (laminin subunit gamma 3; plus strand). Cytogenetic location: 9q34.12.
Variant type: single nucleotide variant.
Coding change: c.346A>G on transcript NM_006059.4 (MANE Select); coding-DNA position 346, A replaced by G.
Protein change: p.Thr116Ala; replaces threonine 116 with alanine.
Molecular consequence: missense variant.
Genome position (GRCh38, 1-based): chr9:131,009,560, A>G. VCF-style: chr9-131009560-A-G. GRCh37 (hg19) VCF-style: chr9-133884947-A-G.
Other names: short protein forms T116A.
Identifiers: ClinVar variation 2029004 (VCV002029004.4), dbSNP rs2490642616, ClinGen allele CA375250915.
Genomic context (GRCh38, chr9:131,009,560, plus strand): 5'-AGCCAGGACGAGAGCACCTGGTGGCAGAGCCCGTCCATGGCCTTCGGCGTGCAGTACCCC[A>G]CCTCGGTCAACATCACCCTCCGCCTAGGTAAGCGCGGGCTGGGGGCACCGCCACCGCACC-3'
Protein context (NP_006050.3, residues 106-126): PSMAFGVQYP[Thr116Ala]SVNITLRLGK